The following is an entry in ClinVar:

NM_031471.6(FERMT3):c.323G>A (p.Arg108His)

Gene: FERMT3 (FERM domain containing kindlin 3; plus strand). Cytogenetic location: 11q13.1.
Variant type: single nucleotide variant.
Coding change: c.323G>A on transcript NM_031471.6 (MANE Select); coding-DNA position 323, G replaced by A.
Protein change: p.Arg108His; replaces arginine 108 with histidine.
Molecular consequence: missense variant. On other transcripts: 5 prime UTR variant (2).
Genome position (GRCh38, 1-based): chr11:64,210,773, G>A. VCF-style: chr11-64210773-G-A. GRCh37 (hg19) VCF-style: chr11-63978245-G-A.
Other names: c.323G>A, p.Arg108His (NM_001382361.1, NM_001382362.1, NM_001382448.1 and 1 more transcripts); c.-218G>A (NM_001382363.1, NM_001382364.1); short protein forms R108H.
Identifiers: ClinVar variation 2060415 (VCV002060415.2), dbSNP rs555550645, ClinGen allele CA6068707.

ClinVar aggregate classification (germline): Uncertain significance (1 of 4 stars; one submission).

Conditions:
Leukocyte adhesion deficiency 3. Also called: Leukocyte adhesion deficiency, type III; INTEGRIN ACTIVATION DEFICIENCY DISEASE; LEUKOCYTE ADHESION DEFICIENCY 1 VARIANT. Identifiers: Orphanet 2968, Orphanet 99844, MedGen C2748536, MONDO:0013016, OMIM 612840.

Allele frequency attached by ClinVar (database versions not stated): gnomAD exomes 0.00003; ExAC 0.00007; TOPMed 0.00007; gnomAD 0.00009; 1000 Genomes Project 30x 0.00031; 1000 Genomes Project 0.00040.
gnomAD v4.1: 57 of 1,614,038 alleles (0.0035%); highest among the groups gnomAD compares: South Asian, 0.027%; no homozygotes.

Submission:

Labcorp Genetics (formerly Invitae), Labcorp
Classification: Uncertain significance for Leukocyte adhesion deficiency 3. Last evaluated: 2025-01-14. Review status: criteria provided, single submitter. Criteria: Invitae Variant Classification Sherloc (09022015). Collection method: clinical testing. Allele origin: germline.
Comment: This sequence change replaces arginine, which is basic and polar, with histidine, which is basic and polar, at codon 108 of the FERMT3 protein (p.Arg108His). This variant is present in population databases (rs555550645, gnomAD 0.02%). This variant has not been reported in the literature in individuals affected with FERMT3-related conditions. ClinVar contains an entry for this variant (Variation ID: 2060415). Invitae Evidence Modeling of protein sequence and biophysical properties (such as structural, functional, and spatial information, amino acid conservation, physicochemical variation, residue mobility, and thermodynamic stability) indicates that this missense variant is not expected to disrupt FERMT3 protein function with a negative predictive value of 80%. In summary, the available evidence is currently insufficient to determine the role of this variant in disease. Therefore, it has been classified as a Variant of Uncertain Significance.